The following is an entry in ClinVar:

ClinVar aggregate classification (germline): Uncertain significance. Review status: criteria provided, multiple submitters, no conflicts (2 of 4 stars). 2 submissions from 2 submitters: Uncertain significance (2). Last evaluated 2025-04-13.

Conditions:
Emery-Dreifuss muscular dystrophy 5, autosomal dominant (EDMD5). Also called: EMERY-DREIFUSS MUSCULAR DYSTROPHY 5. Identifiers: Orphanet 261, MedGen C2751805, MONDO:0013072, OMIM 612999.

Allele frequency attached by ClinVar (database versions not stated): ExAC 0.00001.
gnomAD v4.1: 15 of 1,614,076 alleles (0.00093%); highest among the groups gnomAD compares: African/African-American, 0.0013%; no homozygotes.

Submissions (2):

Ambry Genetics
Classification: Uncertain significance. Last evaluated: 2025-04-13. Review status: criteria provided, single submitter. Criteria: Ambry Variant Classification Scheme 2023. Collection method: clinical testing. Allele origin: germline.

Labcorp Genetics (formerly Invitae), Labcorp
Classification: Uncertain significance for Emery-Dreifuss muscular dystrophy 5, autosomal dominant. Last evaluated: 2023-04-20. Review status: criteria provided, single submitter. Criteria: Invitae Variant Classification Sherloc (09022015). Collection method: clinical testing. Allele origin: germline.
Comment: In summary, the available evidence is currently insufficient to determine the role of this variant in disease. Therefore, it has been classified as a Variant of Uncertain Significance. Algorithms developed to predict the effect of missense changes on protein structure and function output the following: SIFT: "Not Available"; PolyPhen-2: "Benign"; Align-GVGD: "Not Available". The threonine amino acid residue is found in multiple mammalian species, which suggests that this missense change does not adversely affect protein function. This variant has not been reported in the literature in individuals affected with SYNE2-related conditions. This variant is present in population databases (rs780778956, gnomAD 0.0009%). This sequence change replaces alanine, which is neutral and non-polar, with threonine, which is neutral and polar, at codon 5412 of the SYNE2 protein (p.Ala5412Thr).

NM_182914.3(SYNE2):c.16234G>A (p.Ala5412Thr)

Gene: SYNE2 (spectrin repeat containing nuclear envelope protein 2; plus strand). Cytogenetic location: 14q23.2.
Variant type: single nucleotide variant.
Coding change: c.16234G>A on transcript NM_182914.3 (MANE Select); coding-DNA position 16234, G replaced by A.
Protein change: p.Ala5412Thr; replaces alanine 5412 with threonine.
Molecular consequence: missense variant.
Genome position (GRCh38, 1-based): chr14:64,162,211, G>A. VCF-style: chr14-64162211-G-A. GRCh37 (hg19) VCF-style: chr14-64628929-G-A.
Other names: c.16234G>A, p.Ala5412Thr (NM_015180.6); short protein forms A5412T.
Identifiers: ClinVar variation 2471686 (VCV002471686.6), dbSNP rs780778956, ClinGen allele CA7223308.